The following is an entry in ClinVar:

NM_020937.4(FANCM):c.389G>A (p.Arg130His)

Gene: FANCM (FA complementation group M; plus strand). Cytogenetic location: 14q21.2.
Variant type: single nucleotide variant.
Coding change: c.389G>A on transcript NM_020937.4 (MANE Select); coding-DNA position 389, G replaced by A.
Protein change: p.Arg130His; replaces arginine 130 with histidine.
Molecular consequence: missense variant.
Genome position (GRCh38, 1-based): chr14:45,136,420, G>A. VCF-style: chr14-45136420-G-A. GRCh37 (hg19) VCF-style: chr14-45605623-G-A.
Other names: c.389G>A, p.Arg130His (NM_001308133.2, NM_001308134.2); short protein forms R130H.
Identifiers: ClinVar variation 848414 (VCV000848414.10), dbSNP rs751804045, ClinGen allele CA7168750.
Genomic context (GRCh38, chr14:45,136,420, plus strand): 5'-GTCTGCCTACCGGACTGGGAAAGACCTTTATTGCCGCCGTGGTCATGTACAATTTCTACC[G>A]CTGGTTCCCTTCAGGAAAGGTGGTCTTCATGGCCCCAACGAAACCCTTGGTGACACAGCA-3'
Protein context (NP_065988.1, residues 120-140): IAAVVMYNFY[Arg130His]WFPSGKVVFM

ClinVar aggregate classification (germline): Uncertain significance. Review status: criteria provided, multiple submitters, no conflicts (2 of 4 stars). 2 submissions from 2 submitters: Uncertain significance (2). Last evaluated 2025-04-28.

Conditions:
Fanconi anemia (FA). Also called: Fanconi's anemia. Identifiers: Orphanet 84, MedGen C0015625, MeSH D005199, MONDO:0019391.

gnomAD v4.1: 1 of 1,614,136 alleles (0.000062%); highest among the groups gnomAD compares: Non-Finnish European, 0.000085%; no homozygotes.

Submissions (2):

Labcorp Genetics (formerly Invitae), Labcorp
Classification: Uncertain significance for Fanconi anemia. Last evaluated: 2025-04-28. Review status: criteria provided, single submitter. Criteria: Invitae Variant Classification Sherloc (09022015). Collection method: clinical testing. Allele origin: germline.
Comment: This sequence change replaces arginine, which is basic and polar, with histidine, which is basic and polar, at codon 130 of the FANCM protein (p.Arg130His). This variant is present in population databases (rs751804045, gnomAD 0.0009%). This variant has not been reported in the literature in individuals affected with FANCM-related conditions. ClinVar contains an entry for this variant (Variation ID: 848414). An algorithm developed to predict the effect of missense changes on protein structure and function (PolyPhen-2) suggests that this variant is likely to be disruptive. In summary, the available evidence is currently insufficient to determine the role of this variant in disease. Therefore, it has been classified as a Variant of Uncertain Significance.

GeneDx
Classification: Uncertain significance. Last evaluated: 2023-11-16. Review status: criteria provided, single submitter. Criteria: GeneDx Variant Classification Process June 2021. Collection method: clinical testing. Allele origin: germline. Affected: yes.
Comment: Not observed at significant frequency in large population cohorts (gnomAD); In silico analysis supports that this missense variant has a deleterious effect on protein structure/function; Has not been previously published as pathogenic or benign to our knowledge